The following is an entry in ClinVar:

ClinVar aggregate classification (germline): Pathogenic/Likely pathogenic. Review status: criteria provided, multiple submitters, no conflicts (2 of 4 stars). 32 submissions from 31 submitters: Pathogenic (10); Likely pathogenic (17). 5 of the submissions do not count toward it. Last evaluated 2026-06-12.

Conditions:
Hereditary nonpolyposis colon cancer (HNPCC). Also called: Hereditary Nonpolyposis Colorectal Cancer Syndrome; Hereditary nonpolyposis colorectal cancer; Familial nonpolyposis colon cancer. Identifiers: Orphanet 443909, MedGen C1333990, MONDO:0018630. Disease mechanism: loss of function.
Familial cancer of breast. Also called: hereditary breast carcinoma; BREAST CANCER, FAMILIAL; Hereditary breast cancer. Identifiers: Orphanet 227535, MedGen C0346153, MONDO:0016419, OMIM 114480. Disease mechanism: loss of function.
CHEK2-related cancer predisposition (TPDS4). Also called: TUMOR PREDISPOSITION SYNDROME 4; CANCER PREDISPOSITION SYNDROME, CHEK2-RELATED; CHEK2-related cancer susceptibility. Identifiers: Orphanet 524, MedGen C5882668, MONDO:0700271, OMIM 609265.
Familial prostate cancer. Also called: Hereditary Prostate Cancer. Identifiers: MedGen C2931456, MONDO:0700275, OMIM 176807.
Bone osteosarcoma. Also called: Osteosarcoma, somatic. Identifiers: Orphanet 668, MedGen C0585442, MONDO:0002629, OMIM 259500.
CHEK2-related disorder.
Hereditary cancer-predisposing syndrome. Also called: Neoplastic Syndromes, Hereditary; Tumor predisposition; Hereditary neoplastic syndrome; Hereditary Cancer Syndrome. Identifiers: Orphanet 140162, MedGen C0027672, MeSH D009386, MONDO:0015356.
Hereditary breast ovarian cancer syndrome. Also called: Hereditary breast and ovarian cancer syndrome; Hereditary breast and ovarian cancer syndrome (HBOC); Breast and ovarian cancer; BRCA1- and BRCA2-Associated Hereditary Breast and Ovarian Cancer; Hereditary breast and/or ovarian cancer syndrome; Hereditary breast and ovarian cancer. Identifiers: Orphanet 145, MedGen C0677776, MeSH D061325, MONDO:0003582. Disease mechanism: loss of function.
Carcinoma of pancreas. Also called: Exocrine pancreatic carcinoma; Pancreatic cancer, somatic; Pancreatic carcinoma, somatic; PANCREATIC ACINAR CARCINOMA; PANCREATIC CARCINOMA. Identifiers: Orphanet 1333, Orphanet 217074, MedGen C0235974, MONDO:0005192. Disease mechanism: loss of function.
Breast-ovarian cancer, familial, susceptibility to, 1 (BROVCA1). Also called: BRCA1 Hereditary Breast and Ovarian Cancer; OVARIAN CANCER, SUSCEPTIBILITY TO. Identifiers: Orphanet 145, MedGen C2676676, MONDO:0011450, OMIM 604370. Disease mechanism: loss of function.
Endometrial carcinoma. Also called: Endometrial carcinoma, somatic. Identifiers: MedGen C0476089, MONDO:0002447, OMIM 608089, HP:0012114.

Submissions 1 to 7 of 32:

Clinical Genetics Laboratory, Skane University Hospital Lund
Classification: Pathogenic for Familial cancer of breast. Last evaluated: 2026-06-12. Review status: criteria provided, single submitter. Criteria: ACMG Guidelines, 2015. Collection method: clinical testing. Allele origin: germline. Affected: yes.
Comment: ACMG criterias used: PVS1_Strong (RNA), PS3 and PS4.

German Consortium for Hereditary Breast and Ovarian Cancer, University Hospital Cologne
Classification: Pathogenic for Hereditary breast ovarian cancer syndrome. Last evaluated: 2026-02-21. Review status: criteria provided, single submitter. Criteria: ACMG Guidelines, 2015. Collection method: curation. Allele origin: germline.
Comment: This classification follows the ACMG SVI adaptation classification scheme; We chose these criteria: PVS1 (strong pathogenic): PVS1_str (RNA) cDNA analysis 2014 Tü, inframe delEx7 (kinase domain), Invitae: Studies have shown that this variant results in skipping of either exon 7 (in-frame) or exons 7-8 (out-of-frame) (PMID: 30264118; internal data), PS3 (strong pathogenic): PMID: 3105081, PMID: 30851065; The most pronounced variant effect results in a significantly diminished CHEK2 kinase activity in vitro in an experimental system that measured relative levels of CHK2-dependent KAP1-S473 phosphorylation in RPE1-CHEK2-KO cells. The following publications have been ascertained in the context of this evaluation (PMID: 25186627, 22114986, 31422574, 31050813, 32906215, 31843900, 33050356, 35155181).

Labcorp Genetics (formerly Invitae), Labcorp
Classification: Pathogenic for Familial cancer of breast. Last evaluated: 2026-01-30. Review status: criteria provided, single submitter. Criteria: Invitae Variant Classification Sherloc (09022015). Collection method: clinical testing. Allele origin: germline.
Comment: This sequence change falls in intron 7 of the CHEK2 gene. It does not directly change the encoded amino acid sequence of the CHEK2 protein. RNA analysis indicates that this variant induces altered splicing and may result in an absent or altered protein product. This variant is present in population databases (rs764884641, gnomAD 0.005%). This variant has been observed in individual(s) with hereditary breast cancer (PMID: 22114986, 32906215; internal data). This variant is also known as c.846+4delAGTA. ClinVar contains an entry for this variant (Variation ID: 216652). Variants that disrupt the consensus splice site are a relatively common cause of aberrant splicing (PMID: 17576681, 9536098). Studies have shown that this variant results in skipping of either exon 7 (in-frame) or exons 7-8 (out-of-frame) (PMID: 30264118; internal data). The resulting mRNA is expected to either preserve the integrity of the reading frame or undergo nonsense-mediated decay. This variant disrupts the serine/threonine kinase domain of the CHEK2 protein, which is essential for protein function (PMID: 30264118, 31843900, 29785007). While functional studies have not been performed to directly test the effect of this variant on CHEK2 protein function, this suggests that disruption of this region of the protein is causative of disease. For these reasons, this variant has been classified as Pathogenic.

GeneDx
Classification: Likely pathogenic. Last evaluated: 2026-01-15. Review status: criteria provided, single submitter. Criteria: GeneDx Variant Classification Process June 2021. Collection method: clinical testing. Allele origin: germline. Affected: yes.
Comment: RNA studies demonstrate a damaging effect: aberrant splicing leading to both in-frame and out-of-frame transcripts (PMID: 31050813, 37725924); Observed in multiple individuals with breast cancer, segregating with disease in several families, but two families additionally carried pathogenic variants in other breast cancer susceptibility genes (PMID: 22114986, 31050813, 30264118, 37453313); Published functional studies demonstrate absent kinase activity (PMID: 31050813); In silico analysis supports a deleterious effect on splicing; Not observed at significant frequency in large population cohorts (gnomAD); This variant is associated with the following publications: (PMID: 38496821, 40225916, 31843900, 22114986, 27485037, 32906215, 25186627, 31422574, 33050356, 32091409, 35155181, 31050813, 30264118, 37725924, 34326862, 37453313, 36260514, 38554551, 38332730, Privat2024[article], 33047316, 35534704, 36495689, 38091153, 39594831, Chang2024[CaseReport], 39745704, 37563628)

PreventionGenetics, part of Exact Sciences
Classification: Pathogenic for CHEK2-related condition. Last evaluated: 2025-12-10. Review status: criteria provided, single submitter. Criteria: ACMG Guidelines, 2015. Collection method: clinical testing. Allele origin: germline.
Comment: The CHEK2 c.846+4_846+7delAGTA variant is predicted to result in an intronic deletion. This variant has been reported in multiple individuals with breast cancer and has been demonstrated to result in an in-frame deletion of exon 7 (Table S1, Vargas-Parra et al. 2020. PubMed ID: 32906215; Table 1. Desrichard et al. 2011. PubMed ID: 22114986; Table 5. Mersch et al. 2018. PubMed ID: 30264118; Figures S1 and S4, Kleiblova et al. 2019. PubMed ID: 31050813; Figure 3. Sanoguera-Miralles et al. 2024. PubMed ID: 37725924). In ClinVar, this variant is interpreted as pathogenic or likely pathogenic (Variation ID: 216652). This variant is reported in 0.0047% of alleles in individuals of European (Non-Finnish) descent in gnomAD. Taken together, we interpret this variant as pathogenic.

Quest Diagnostics Nichols Institute San Juan Capistrano
Classification: Likely pathogenic. Last evaluated: 2025-07-28. Review status: criteria provided, single submitter. Criteria: Quest Diagnostics criteria. Collection method: clinical testing. Allele origin: unknown.
Comment: The CHEK2 c.846+4_846+7del variant disrupts a canonical splice-donor site and is predicted to interfere with normal CHEK2 mRNA splicing. This variant has been reported in the published literature in individuals with breast cancer (PMIDs: 38091153 (2024), 37453313 (2023), 35155181 (2021), 33050356 (2020), 31050813 (2019), 30264118 (2018), 22114986 (2011)) and melanoma (PMIDs: 36495689 (2023), 33050356 (2020)). Assessment of experimental evidence suggests this variant results in abnormal RNA splicing (PMIDs: 37725924 (2024), 31843900 (2019), 31050813 (2019), 30264118 (2018)). The frequency of this variant in the general population (Genome Aggregation Database) is uninformative in the assessment of its pathogenicity. Analysis of this variant using software algorithms for the prediction of the effect of nucleotide changes on splicing yielded predictions that this variant may affect proper CHEK2 mRNA splicing. Based on the available information, this variant is classified as likely pathogenic.

Ambry Genetics
Classification: Likely pathogenic for Hereditary cancer-predisposing syndrome. Last evaluated: 2025-07-14. Review status: criteria provided, single submitter. Criteria: Ambry Variant Classification Scheme 2023. Collection method: clinical testing. Allele origin: germline.
Comment: The c.846+4_846+7delAGTA intronic variant is located 4 nucleotides after coding exon 6 of the CHEK2 gene and results from a deletion of 4 nucleotides at positions c.846+4 to c.846+7. This nucleotide region is well conserved in available vertebrate species. In silico splice site analysis predicts that this alteration will weaken the native splice donor site. RNA studies have demonstrated this alteration results in abnormal splicing in the set of samples tested (Ambry internal data). Based on the majority of available evidence to date, this variant is likely to be pathogenic.

NM_007194.4(CHEK2):c.846+4_846+7del

Gene: CHEK2 (checkpoint kinase 2; minus strand). Cytogenetic location: 22q12.1.
Variant type: Deletion.
Coding change: c.846+4_846+7del on transcript NM_007194.4 (MANE Select); bases 4 to 7 of the intron after coding-DNA position 846, 4 bases deleted (AGTA; older notation c.846+4_846+7delAGTA).
Molecular consequence: splice donor variant.
Genome position (GRCh38, 1-based): chr22:28,709,999-28,710,002, TACT deleted on the plus strand (AGTA on the coding strand, the reverse complement: CHEK2 is on the minus strand); deleting any 4 consecutive bases within chr22:28,709,999-28,710,005 gives the same sequence; the c. name uses the placement nearest the transcript's 3' end. VCF-style (leftmost placement, unchanged base first): chr22-28709998-ATACT-A. GRCh37 (hg19) VCF-style: chr22-29105986-ATACT-A.
Other names: c.846+4_846+7delAGTA (NM_007194.4); c.183+4_183+7del (NM_001437942.1, NM_001257387.3); c.645+4_645+7del (NM_001349956.3); c.846+4_846+7del (NM_145862.3); c.939+4_939+7del (NM_001438295.1, NM_001438293.1); c.975+4_975+7del (NM_001438294.1, NM_001005735.3).
Identifiers: ClinVar variation 216652 (VCV000216652.106), dbSNP rs764884641, ClinGen allele CA336957.